The following is an entry in ClinVar:

ClinVar aggregate classification (germline): Uncertain significance (1 of 4 stars; one submission).

Conditions:
Kabuki syndrome. Also called: NIIKAWA-KUROKI SYNDROME; Kabuki make-up syndrome. Identifiers: Orphanet 2322, MedGen C0796004, MONDO:0016512.

Submission:

Labcorp Genetics (formerly Invitae), Labcorp
Classification: Uncertain significance for Kabuki syndrome. Last evaluated: 2025-07-09. Review status: criteria provided, single submitter. Criteria: Invitae Variant Classification Sherloc (09022015). Collection method: clinical testing. Allele origin: germline.
Comment: This sequence change replaces histidine, which is basic and polar, with glutamine, which is neutral and polar, at codon 4008 of the KMT2D protein (p.His4008Gln). This variant is not present in population databases (gnomAD no frequency). This variant has not been reported in the literature in individuals affected with KMT2D-related conditions. Invitae Evidence Modeling of protein sequence and biophysical properties (such as structural, functional, and spatial information, amino acid conservation, physicochemical variation, residue mobility, and thermodynamic stability) indicates that this missense variant is not expected to disrupt KMT2D protein function with a negative predictive value of 95%. In summary, the available evidence is currently insufficient to determine the role of this variant in disease. Therefore, it has been classified as a Variant of Uncertain Significance.

NM_003482.4(KMT2D):c.12024C>G (p.His4008Gln)

Gene: KMT2D (lysine methyltransferase 2D; minus strand). Cytogenetic location: 12q13.12.
Variant type: single nucleotide variant.
Coding change: c.12024C>G on transcript NM_003482.4 (MANE Select); coding-DNA position 12024, C replaced by G.
Protein change: p.His4008Gln; replaces histidine 4008 with glutamine.
Molecular consequence: missense variant.
Genome position (GRCh38, 1-based): chr12:49,032,681, G>C on the plus strand (C>G on the coding strand, the complement: KMT2D is on the minus strand). VCF-style: chr12-49032681-G-C. GRCh37 (hg19) VCF-style: chr12-49426464-G-C.
Other names: short protein forms H4008Q.
Identifiers: ClinVar variation 4762141 (VCV004762141.1).